The following is an entry in ClinVar:

NC_000018.10:g.(?_31092081)_(31101991_?)del

Genes: DSC2 (desmocollin 2; minus strand), DSCAS (DSC1/DSC2 antisense RNA; plus strand). Cytogenetic location: 18q12.1.
Variant type: Deletion.
Identifiers: ClinVar variation 468366 (VCV000468366.5).

ClinVar aggregate classification (germline): Pathogenic (1 of 4 stars; one submission).

Conditions:
Arrhythmogenic right ventricular dysplasia 11. Also called: Arrhythmogenic Right Ventricular Dysplasia/Cardiomyopathy11; ARRHYTHMOGENIC RIGHT VENTRICULAR DYSPLASIA, FAMILIAL, 11; Arrhythmogenic right ventricular dysplasia 11 with mild palmoplantar keratoderma and woolly hair. Identifiers: MedGen C1864850, MONDO:0012506, OMIM 610476.

Submission:

Labcorp Genetics (formerly Invitae), Labcorp
Classification: Pathogenic for Arrhythmogenic right ventricular dysplasia 11. Last evaluated: 2018-10-06. Review status: criteria provided, single submitter. Criteria: Invitae Variant Classification Sherloc (09022015). Collection method: clinical testing. Allele origin: germline.
Comment: This variant is a gross deletion of the genomic region encompassing exons 1-3 of the DSC2 gene, which includes the initiator codon. The 5' end of this event is unknown as it extends beyond the assayed region for this gene and therefore may encompass additional genes. The 3' boundary is likely confined to intron 3 of the DSC2 gene. This is expected to result in an absent or disrupted protein product. This variant has not been reported in the literature in individuals with DSC2-related disease. Loss-of-function variants in DSC2 are known to be pathogenic (PMID: 18957847, 23863954, 23911551). For these reasons, this variant has been classified as Pathogenic.

Literature cited by the submitters: PubMed 18957847; PubMed 23863954; PubMed 23911551.